The following is an entry in ClinVar:

NM_017780.4(CHD7):c.1275C>T (p.Gly425=)

Gene: CHD7 (chromodomain helicase DNA binding protein 7; plus strand). Cytogenetic location: 8q12.2.
Variant type: single nucleotide variant.
Coding change: c.1275C>T on transcript NM_017780.4 (MANE Select); coding-DNA position 1275, C replaced by T.
Protein change: p.Gly425=; no amino-acid change (glycine 425 retained).
Molecular consequence: synonymous variant.
Genome position (GRCh38, 1-based): chr8:60,742,707, C>T. VCF-style: chr8-60742707-C-T. GRCh37 (hg19) VCF-style: chr8-61655266-C-T.
Other names: c.1275C>T, p.Gly425= (NM_001316690.1).
Identifiers: ClinVar variation 3346432 (VCV003346432.1).

ClinVar aggregate classification (germline): Likely benign (0 of 4 stars; one submission).

Conditions:
CHD7-related disorder. Also called: CHD7-related condition.

gnomAD v4.1: 2 of 1,612,784 alleles (0.00012%); highest among the groups gnomAD compares: Non-Finnish European, 0.00017%; no homozygotes.

Submission:

PreventionGenetics, part of Exact Sciences
Classification: Likely benign for CHD7-related condition. Last evaluated: 2024-05-08. Review status: no assertion criteria provided. Collection method: clinical testing. Allele origin: germline.
Comment: This variant is classified as likely benign based on ACMG/AMP sequence variant interpretation guidelines (Richards et al. 2015 PMID: 25741868, with internal and published modifications).